The following is an entry in ClinVar:

NM_020928.2(ZSWIM6):c.104G>A (p.Gly35Asp)

Gene: ZSWIM6 (zinc finger SWIM-type containing 6; plus strand). Cytogenetic location: 5q12.1.
Variant type: single nucleotide variant.
Coding change: c.104G>A on transcript NM_020928.2 (MANE Select); coding-DNA position 104, G replaced by A.
Protein change: p.Gly35Asp; replaces glycine 35 with aspartic acid.
Molecular consequence: missense variant.
Genome position (GRCh38, 1-based): chr5:61,332,376, G>A. VCF-style: chr5-61332376-G-A. GRCh37 (hg19) VCF-style: chr5-60628203-G-A.
Other names: short protein forms G35D.
Identifiers: ClinVar variation 3359731 (VCV003359731.1).
Genomic context (GRCh38, chr5:61,332,376, plus strand): 5'-GCTGCCGGCCGGGCGGCGGCGGCGGCGGCGGGGGCAGCAGCGGCGGCGGCGGCGGCGCGG[G>A]TGGCGGCTACAGCTCTGCCTGTCGGCCAGGCCCGCGGGCGGGTGGCGCGGCGGCGGCGGC-3'
Protein context (NP_065979.1, residues 25-45): GGSSGGGGGA[Gly35Asp]GGYSSACRPG

ClinVar aggregate classification (germline): Uncertain significance (1 of 4 stars; one submission).

Submission:

GeneDx
Classification: Uncertain significance. Last evaluated: 2023-06-08. Review status: criteria provided, single submitter. Criteria: GeneDx Variant Classification Process June 2021. Collection method: clinical testing. Allele origin: germline. Affected: yes.
Comment: Not observed at significant frequency in large population cohorts (gnomAD); In silico analysis supports that this missense variant does not alter protein structure/function; Has not been previously published as pathogenic or benign to our knowledge